The following is an entry in ClinVar:

NM_000170.3(GLDC):c.2954C>T (p.Thr985Met)

Gene: GLDC (glycine decarboxylase; minus strand). Cytogenetic location: 9p24.1.
Variant type: single nucleotide variant.
Coding change: c.2954C>T on transcript NM_000170.3 (MANE Select); coding-DNA position 2954, C replaced by T.
Protein change: p.Thr985Met; replaces threonine 985 with methionine.
Molecular consequence: missense variant.
Genome position (GRCh38, 1-based): chr9:6,533,126, G>A on the plus strand (C>T on the coding strand, the complement: GLDC is on the minus strand). VCF-style: chr9-6533126-G-A. GRCh37 (hg19) VCF-style: chr9-6533126-G-A.
Other names: short protein forms T985M.
Identifiers: ClinVar variation 2042416 (VCV002042416.3), dbSNP rs369837674, ClinGen allele CA4979991.

ClinVar aggregate classification (germline): Uncertain significance. Review status: criteria provided, multiple submitters, no conflicts (2 of 4 stars). 3 submissions from 3 submitters: Uncertain significance (3). Last evaluated 2026-07-14.

Conditions:
Glycine encephalopathy. Also called: Nonketotic hyperglycinemia; Non-ketotic hyperglycinemia. Identifiers: Orphanet 407, MedGen C0751748, MONDO:0011612, HP:0008288.
Inborn genetic diseases. Identifiers: MedGen C0950123, MeSH D030342.
GLDC-related disorder. Also called: GLDC-related condition.

Allele frequency attached by ClinVar (database versions not stated): ExAC 0.00002; ESP Exome Variant Server 0.00008; TOPMed 0.00011; gnomAD 0.00014.
gnomAD v4.1: 36 of 1,612,692 alleles (0.0022%); highest among the groups gnomAD compares: African/African-American, 0.04%; no homozygotes.

Submissions (3):

PreventionGenetics, part of Exact Sciences
Classification: Uncertain significance for GLDC-related condition. Last evaluated: 2026-07-14. Review status: criteria provided, single submitter. Criteria: ACMG Guidelines, 2015. Collection method: clinical testing. Allele origin: germline.
Comment: The GLDC c.2954C>T variant is predicted to result in the amino acid substitution p.Thr985Met. To our knowledge, this variant has not been reported in the literature. This variant is reported in 0.048% of alleles in individuals of African descent in gnomAD. At this time, the clinical significance of this variant is uncertain due to the absence of conclusive functional and genetic evidence.

Ambry Genetics
Classification: Uncertain significance for Inborn genetic diseases. Last evaluated: 2022-08-30. Review status: criteria provided, single submitter. Criteria: Ambry Variant Classification Scheme 2023. Collection method: clinical testing. Allele origin: germline.
Comment: The c.2954C>T (p.T985M) alteration is located in exon 25 (coding exon 25) of the GLDC gene. This alteration results from a C to T substitution at nucleotide position 2954, causing the threonine (T) at amino acid position 985 to be replaced by a methionine (M). The in silico prediction for the p.T985M alteration is inconclusive. Based on insufficient or conflicting evidence, the clinical significance of this alteration remains unclear.

Labcorp Genetics (formerly Invitae), Labcorp
Classification: Uncertain significance for Glycine encephalopathy. Last evaluated: 2022-07-31. Review status: criteria provided, single submitter. Criteria: Invitae Variant Classification Sherloc (09022015). Collection method: clinical testing. Allele origin: germline.
Comment: This sequence change replaces threonine, which is neutral and polar, with methionine, which is neutral and non-polar, at codon 985 of the GLDC protein (p.Thr985Met). This variant is present in population databases (rs369837674, gnomAD 0.05%). This variant has not been reported in the literature in individuals affected with GLDC-related conditions. Advanced modeling of protein sequence and biophysical properties (such as structural, functional, and spatial information, amino acid conservation, physicochemical variation, residue mobility, and thermodynamic stability) performed at Invitae indicates that this missense variant is not expected to disrupt GLDC protein function. In summary, the available evidence is currently insufficient to determine the role of this variant in disease. Therefore, it has been classified as a Variant of Uncertain Significance.